The following is an entry in ClinVar:

ClinVar aggregate classification (germline): Uncertain significance (1 of 4 stars; one submission).

Conditions:
Immunodeficiency 23 (IMD23). Also called: IMMUNODEFICIENCY WITH HYPER IgE AND COGNITIVE IMPAIRMENT; IMMUNODEFICIENCY-VASCULITIS-MYOCLONUS SYNDROME. Identifiers: Orphanet 443811, MedGen C4014371, MONDO:0014353, OMIM 615816.

Allele frequency attached by ClinVar (database versions not stated): gnomAD exomes below 0.00001 and 0.00001; ExAC 0.00001.
gnomAD v4.1: 4 of 1,613,976 alleles (0.00025%); highest among the groups gnomAD compares: South Asian, 0.0022%; no homozygotes.

Submission:

Labcorp Genetics (formerly Invitae), Labcorp
Classification: Uncertain significance for Immunodeficiency 23. Last evaluated: 2022-07-12. Review status: criteria provided, single submitter. Criteria: Invitae Variant Classification Sherloc (09022015). Collection method: clinical testing. Allele origin: germline.
Comment: This sequence change replaces alanine, which is neutral and non-polar, with valine, which is neutral and non-polar, at codon 508 of the PGM3 protein (p.Ala508Val). This variant is present in population databases (rs775608964, gnomAD 0.003%). This variant has not been reported in the literature in individuals affected with PGM3-related conditions. ClinVar contains an entry for this variant (Variation ID: 1361519). Algorithms developed to predict the effect of missense changes on protein structure and function output the following: SIFT: "Tolerated"; PolyPhen-2: "Benign"; Align-GVGD: "Class C0". The valine amino acid residue is found in multiple mammalian species, which suggests that this missense change does not adversely affect protein function. Algorithms developed to predict the effect of sequence changes on RNA splicing suggest that this variant may create or strengthen a splice site. In summary, the available evidence is currently insufficient to determine the role of this variant in disease. Therefore, it has been classified as a Variant of Uncertain Significance.

NM_015599.3(PGM3):c.1439C>T (p.Ala480Val)

Genes: DOP1A (DOP1 leucine zipper like protein A; plus strand), PGM3 (phosphoglucomutase 3; minus strand). Cytogenetic location: 6q14.1.
Variant type: single nucleotide variant.
Coding change: c.1439C>T on transcript NM_015599.3 (MANE Select); coding-DNA position 1439, C replaced by T.
Protein change: p.Ala480Val; replaces alanine 480 with valine.
Molecular consequence: missense variant. On other transcripts: non-coding transcript variant (2).
Genome position (GRCh38, 1-based): chr6:83,170,405, G>A on the plus strand (C>T on the coding strand, the complement: PGM3 is on the minus strand). VCF-style: chr6-83170405-G-A. GRCh37 (hg19) VCF-style: chr6-83880124-G-A.
Other names: c.1523C>T, p.Ala508Val (NM_001199917.2, NM_001367287.1); c.1196C>T, p.Ala399Val (NM_001199918.2); c.1439C>T, p.Ala480Val (NM_001199919.2); c.1316C>T, p.Ala439Val (NM_001367286.1); short protein forms A439V, A480V, A399V, A508V.
Identifiers: ClinVar variation 1361519 (VCV001361519.5), dbSNP rs775608964, ClinGen allele CA3906518.